The following is an entry in ClinVar:

ClinVar aggregate classification (germline): Uncertain significance (1 of 4 stars; one submission).

Submission:

GeneDx
Classification: Uncertain significance. Last evaluated: 2020-10-27. Review status: criteria provided, single submitter. Criteria: GeneDx Variant Classification Process June 2021. Collection method: clinical testing. Allele origin: germline. Affected: yes.
Comment: Not observed in large population cohorts (Lek et al., 2016); In silico analysis supports that this missense variant has a deleterious effect on protein structure/function; Has not been previously published as pathogenic or benign to our knowledge; This variant is associated with the following publications: (PMID: 31935276)

NM_001886.3(CRYBA4):c.137C>A (p.Ser46Tyr)

Gene: CRYBA4 (crystallin beta A4; plus strand). Cytogenetic location: 22q12.1.
Variant type: single nucleotide variant.
Coding change: c.137C>A on transcript NM_001886.3 (MANE Select); coding-DNA position 137, C replaced by A.
Protein change: p.Ser46Tyr; replaces serine 46 with tyrosine.
Molecular consequence: missense variant.
Genome position (GRCh38, 1-based): chr22:26,623,331, C>A. VCF-style: chr22-26623331-C-A. GRCh37 (hg19) VCF-style: chr22-27019295-C-A.
Other names: short protein forms S46Y.
Identifiers: ClinVar variation 392942 (VCV000392942.4), dbSNP rs1057524710, ClinGen allele CA16609078.
Genomic context (GRCh38, chr22:26,623,331, plus strand): 5'-GGCACGAGTTCACGGCCGAGTGCCCCAGCGTGCTGGAGCTTGGCTTCGAGACTGTGCGAT[C>A]TTTGAAAGTGCTGAGTGGAGCGTGAGTCTAGGGGGACACTGAGTTGGGGTAGAGGGTGGA-3'
Protein context (NP_001877.1, residues 36-56): VLELGFETVR[Ser46Tyr]LKVLSGAWVG